The following is an entry in ClinVar:

NM_000170.3(GLDC):c.635+3G>C

Gene: GLDC (glycine decarboxylase; minus strand). Cytogenetic location: 9p24.1.
Variant type: single nucleotide variant.
Coding change: c.635+3G>C on transcript NM_000170.3 (MANE Select); 3 bases into the intron after coding-DNA position 635, G replaced by C.
Molecular consequence: intron variant.
Genome position (GRCh38, 1-based): chr9:6,610,189, C>G on the plus strand (G>C on the coding strand, the complement: GLDC is on the minus strand). VCF-style: chr9-6610189-C-G. GRCh37 (hg19) VCF-style: chr9-6610189-C-G.
Other names: c.635+3G>C (NM_000170.2).
Identifiers: ClinVar variation 2157210 (VCV002157210.2), dbSNP rs773974856, ClinGen allele CA4981073.

ClinVar aggregate classification (germline): Uncertain significance. Review status: criteria provided, multiple submitters, no conflicts (2 of 4 stars). 2 submissions from 2 submitters: Uncertain significance (2). Last evaluated 2022-08-10.

Conditions:
Inborn genetic diseases. Identifiers: MedGen C0950123, MeSH D030342.
Glycine encephalopathy. Also called: Non-ketotic hyperglycinemia; Nonketotic hyperglycinemia. Identifiers: Orphanet 407, MedGen C0751748, MONDO:0011612, HP:0008288.

Allele frequency attached by ClinVar (database versions not stated): TOPMed below 0.00001; gnomAD 0.00001; gnomAD exomes 0.00001.
gnomAD v4.1: 9 of 1,607,654 alleles (0.00056%); highest among the groups gnomAD compares: Non-Finnish European, 0.00076%; no homozygotes.

Submissions (2):

Labcorp Genetics (formerly Invitae), Labcorp
Classification: Uncertain significance for Glycine encephalopathy. Last evaluated: 2022-08-10. Review status: criteria provided, single submitter. Criteria: Invitae Variant Classification Sherloc (09022015). Collection method: clinical testing. Allele origin: germline.
Comment: This sequence change falls in intron 4 of the GLDC gene. It does not directly change the encoded amino acid sequence of the GLDC protein. It affects a nucleotide within the consensus splice site. This variant is present in population databases (rs773974856, gnomAD 0.0009%). This variant has not been reported in the literature in individuals affected with GLDC-related conditions. Variants that disrupt the consensus splice site are a relatively common cause of aberrant splicing (PMID: 17576681, 9536098). Algorithms developed to predict the effect of sequence changes on RNA splicing suggest that this variant is not likely to affect RNA splicing. In summary, the available evidence is currently insufficient to determine the role of this variant in disease. Therefore, it has been classified as a Variant of Uncertain Significance.

Ambry Genetics
Classification: Uncertain significance for Inborn genetic diseases. Last evaluated: 2022-07-05. Review status: criteria provided, single submitter. Criteria: Ambry Variant Classification Scheme 2023. Collection method: clinical testing. Allele origin: germline.
Comment: The c.635+3G>C intronic alteration consists of a G to C substitution 3 nucleotides after exon 4 of the GLDC gene. Based on insufficient or conflicting evidence, the clinical significance of this alteration remains unclear.

Literature cited by the submitters: PubMed 17576681 (cited by Labcorp Genetics (formerly Invitae), Labcorp); PubMed 9536098 (cited by Labcorp Genetics (formerly Invitae), Labcorp).